The following is an entry in ClinVar:

NM_003086.4(SNAPC4):c.2058C>G (p.Ser686Arg)

Gene: SNAPC4 (small nuclear RNA activating complex polypeptide 4; minus strand). Cytogenetic location: 9q34.3.
Variant type: single nucleotide variant.
Coding change: c.2058C>G on transcript NM_003086.4 (MANE Select); coding-DNA position 2058, C replaced by G.
Protein change: p.Ser686Arg; replaces serine 686 with arginine.
Molecular consequence: missense variant.
Genome position (GRCh38, 1-based): chr9:136,382,262, G>C on the plus strand (C>G on the coding strand, the complement: SNAPC4 is on the minus strand). VCF-style: chr9-136382262-G-C. GRCh37 (hg19) VCF-style: chr9-139276714-G-C.
Other names: c.2058C>G, p.Ser686Arg (NM_001394201.1, NM_001394202.1, NM_001394203.1); short protein forms S686R.
Identifiers: ClinVar variation 2592941 (VCV002592941.3), dbSNP rs755142292, ClinGen allele CA5334177.
Genomic context (GRCh38, chr9:136,382,262, plus strand): 5'-CAGGGCGGGGCACGTGGTGGCGTGCGCGTGGGTGTCTGCAGCAGGCCTCACCTGTGTGCA[G>C]CTCCGAGCAGCCGTGTTGGCCCTGAGCACCCTCAGCACGGTCTCCACAGGCACTGTCAGC-3'
Protein context (NP_003077.2, residues 676-696): RVLRANTAAR[Ser686Arg]CTQKEQLRQP

ClinVar aggregate classification (germline): Uncertain significance. Review status: criteria provided, multiple submitters, no conflicts (2 of 4 stars). 2 submissions from 2 submitters: Uncertain significance (2). Last evaluated 2026-03-26.

Conditions:
Inborn genetic diseases. Identifiers: MedGen C0950123, MeSH D030342.

Allele frequency attached by ClinVar (database versions not stated): ExAC 0.00003; gnomAD exomes 0.00003; TOPMed 0.00008; gnomAD 0.00004.
gnomAD v4.1: 48 of 1,612,558 alleles (0.003%); highest among the groups gnomAD compares: Middle Eastern, 0.017%; no homozygotes.

Submissions (2):

GeneDx
Classification: Uncertain significance. Last evaluated: 2026-03-26. Review status: criteria provided, single submitter. Criteria: GeneDx Variant Classification Process June 2021. Collection method: clinical testing. Allele origin: germline.
Comment: In silico analysis suggests that this missense variant does not alter protein structure/function; Has not been previously published as pathogenic or benign to our knowledge

Ambry Genetics
Classification: Uncertain significance for Inborn genetic diseases. Last evaluated: 2023-07-12. Review status: criteria provided, single submitter. Criteria: Ambry Variant Classification Scheme 2023. Collection method: clinical testing. Allele origin: germline.